The following is an entry in ClinVar:

ClinVar aggregate classification (germline): Uncertain significance. Review status: criteria provided, multiple submitters, no conflicts (2 of 4 stars). 2 submissions from 2 submitters: Uncertain significance (2). Last evaluated 2026-01-27.

Allele frequency attached by ClinVar (database versions not stated): gnomAD exomes 0.00001; TOPMed 0.00001; ExAC 0.00002.

Submissions (2):

Labcorp Genetics (formerly Invitae), Labcorp
Classification: Uncertain significance. Last evaluated: 2026-01-27. Review status: criteria provided, single submitter. Criteria: Invitae Variant Classification Sherloc (09022015). Collection method: clinical testing. Allele origin: germline.
Comment: This sequence change replaces isoleucine, which is neutral and non-polar, with leucine, which is neutral and non-polar, at codon 500 of the LRRC8A protein (p.Ile500Leu). This variant is present in population databases (rs754675539, gnomAD 0.02%). This variant has not been reported in the literature in individuals affected with LRRC8A-related conditions. ClinVar contains an entry for this variant (Variation ID: 2170890). An algorithm developed to predict the effect of missense changes on protein structure and function (PolyPhen-2) suggests that this variant is likely to be tolerated. In summary, the available evidence is currently insufficient to determine the role of this variant in disease. Therefore, it has been classified as a Variant of Uncertain Significance.

Ambry Genetics
Classification: Uncertain significance. Last evaluated: 2025-09-10. Review status: criteria provided, single submitter. Criteria: Ambry Variant Classification Scheme 2023. Collection method: clinical testing. Allele origin: germline.

NM_019594.4(LRRC8A):c.1498A>C (p.Ile500Leu)

Gene: LRRC8A (leucine rich repeat containing 8 VRAC subunit A; plus strand). Cytogenetic location: 9q34.11.
Variant type: single nucleotide variant.
Coding change: c.1498A>C on transcript NM_019594.4 (MANE Select); coding-DNA position 1498, A replaced by C.
Protein change: p.Ile500Leu; replaces isoleucine 500 with leucine.
Molecular consequence: missense variant.
Genome position (GRCh38, 1-based): chr9:128,908,662, A>C. VCF-style: chr9-128908662-A-C. GRCh37 (hg19) VCF-style: chr9-131670941-A-C.
Other names: c.1498A>C, p.Ile500Leu (NM_001127244.2, NM_001127245.2); c.1498A>C (NM_001127244.1); short protein forms I500L.
Identifiers: ClinVar variation 2170890 (VCV002170890.5), dbSNP rs754675539, ClinGen allele CA5270898.